The following is an entry in ClinVar:

ClinVar aggregate classification (germline): Pathogenic (1 of 4 stars; one submission).

Conditions:
Hereditary nonpolyposis colorectal neoplasms. Identifiers: MedGen C0009405, MeSH D003123.

Submission:

Labcorp Genetics (formerly Invitae), Labcorp
Classification: Pathogenic for Hereditary nonpolyposis colorectal neoplasms. Last evaluated: 2021-06-02. Review status: criteria provided, single submitter. Criteria: Invitae Variant Classification Sherloc (09022015). Collection method: clinical testing. Allele origin: germline.
Comment: For these reasons, this variant has been classified as Pathogenic. This variant has been observed in individual(s) with colorectal cancer (PMID: 28944238). This variant is not present in population databases (ExAC no frequency). This sequence change creates a premature translational stop signal (p.Ala1064Leufs*15) in the MSH6 gene. It is expected to result in an absent or disrupted protein product. Loss-of-function variants in MSH6 are known to be pathogenic (PMID: 18269114, 24362816).

Literature cited by the submitters: PubMed 28944238; PubMed 18269114; PubMed 24362816.

NM_000179.3(MSH6):c.3190del (p.Ala1064fs)

Gene: MSH6 (mutS homolog 6; plus strand). Cytogenetic location: 2p16.3.
Variant type: Deletion.
Coding change: c.3190del on transcript NM_000179.3 (MANE Select); coding-DNA position 3190, one base deleted (G; older notation c.3190delG).
Protein change: p.Ala1064fs; shifts the reading frame from alanine 1064.
Molecular consequence: frameshift variant.
Genome position (GRCh38, 1-based): chr2:47,803,437, G deleted; the last of 2 consecutive G bases (chr2:47,803,436-47,803,437); deleting either gives the same sequence. VCF-style (leftmost placement, unchanged base first): chr2-47803435-TG-T. GRCh37 (hg19) VCF-style: chr2-48030574-TG-T.
Other names: c.2800del, p.Ala934fs (NM_001281492.2); c.2284del, p.Ala762fs (NM_001281493.2, NM_001281494.2); short protein forms A1064fs, A762fs, A934fs.
Identifiers: ClinVar variation 1458098 (VCV001458098.8), dbSNP rs2104472117, ClinGen allele CA2573134722.